The following is an entry in ClinVar:

NM_014845.6(FIG4):c.2704A>C (p.Ile902Leu)

Gene: FIG4 (FIG4 phosphoinositide 5-phosphatase; plus strand). Cytogenetic location: 6q21.
Variant type: single nucleotide variant.
Coding change: c.2704A>C on transcript NM_014845.6 (MANE Select); coding-DNA position 2704, A replaced by C.
Protein change: p.Ile902Leu; replaces isoleucine 902 with leucine.
Molecular consequence: missense variant.
Genome position (GRCh38, 1-based): chr6:109,825,245, A>C. VCF-style: chr6-109825245-A-C. GRCh37 (hg19) VCF-style: chr6-110146448-A-C.
Other names: short protein forms I902L.
Identifiers: ClinVar variation 1794959 (VCV001794959.2), dbSNP rs143685038, ClinGen allele CA3956488.

ClinVar aggregate classification (germline): Uncertain significance (1 of 4 stars; one submission).

Conditions:
Inborn genetic diseases. Identifiers: MedGen C0950123, MeSH D030342.

Allele frequency attached by ClinVar (database versions not stated): ESP Exome Variant Server 0.00015.
gnomAD v4.1: 12 of 1,614,122 alleles (0.00074%); highest among the groups gnomAD compares: Non-Finnish European, 0.001%; no homozygotes.

Submission:

Ambry Genetics
Classification: Uncertain significance for Inborn genetic diseases. Last evaluated: 2022-04-09. Review status: criteria provided, single submitter. Criteria: Ambry Variant Classification Scheme 2023. Collection method: clinical testing. Allele origin: germline.
Comment: The p.I902L variant (also known as c.2704A>C), located in coding exon 23 of the FIG4 gene, results from an A to C substitution at nucleotide position 2704. The isoleucine at codon 902 is replaced by leucine, an amino acid with highly similar properties. This amino acid position is well conserved in available vertebrate species; however, leucine is the reference amino acid in other vertebrate species. In addition, this alteration is predicted to be tolerated by in silico analysis. Since supporting evidence is limited at this time, the clinical significance of this alteration remains unclear.